The following is an entry in ClinVar:

NM_000719.7(CACNA1C):c.2398A>C (p.Lys800Gln)

Gene: CACNA1C (calcium voltage-gated channel subunit alpha1 C; plus strand). Cytogenetic location: 12p13.33.
Variant type: single nucleotide variant.
Coding change: c.2398A>C on transcript NM_000719.7 (MANE Select); coding-DNA position 2398, A replaced by C.
Protein change: p.Lys800Gln; replaces lysine 800 with glutamine.
Molecular consequence: missense variant.
Genome position (GRCh38, 1-based): chr12:2,585,434, A>C. VCF-style: chr12-2585434-A-C. GRCh37 (hg19) VCF-style: chr12-2694600-A-C.
Other names: c.2398A>C, p.Lys800Gln (NM_001129838.2, NM_001129839.2, NM_001129840.2 and 18 more transcripts); c.2389A>C, p.Lys797Gln (NM_001129844.2); short protein forms K800Q, K797Q.
Identifiers: ClinVar variation 308138 (VCV000308138.9), dbSNP rs779009338, ClinGen allele CA6388962.

ClinVar aggregate classification (germline): Conflicting classifications of pathogenicity. Review status: criteria provided, conflicting classifications (1 of 4 stars). 3 submissions from 3 submitters: Uncertain significance (2); Likely benign (1). Last evaluated 2024-10-17.

Conditions:
CACNA1C-related disorder. Also called: CACNA1C-related disorders; CACNA1C-related condition. Identifiers: MONDO:0700321, MedGen CN381092.
Cardiovascular phenotype. Identifiers: MedGen CN230736.
Long QT syndrome (LQTS). Identifiers: MedGen C0023976, MeSH D008133, MONDO:0002442. Disease mechanism: loss of function. Inheritance: Various modes of inheritance.

Allele frequency attached by ClinVar (database versions not stated): gnomAD exomes 0.00001; ExAC 0.00001.
gnomAD v4.1: 3 of 1,605,490 alleles (0.00019%); highest among the groups gnomAD compares: Admixed American, 0.0034%; no homozygotes.

Submissions (3):

PreventionGenetics, part of Exact Sciences
Classification: Uncertain significance for CACNA1C-related condition. Last evaluated: 2024-10-17. Review status: criteria provided, single submitter. Criteria: ACMG Guidelines, 2015. Collection method: clinical testing. Allele origin: germline.
Comment: The CACNA1C c.2398A>C variant is predicted to result in the amino acid substitution p.Lys800Gln. To our knowledge, this variant has not been reported in the literature. A variant impacting the same amino acid p.Lys800Thr was reported in a patient with autism spectrum disorder and short QT syndrome (Christiansen et al. 2023. PubMed ID: 36806574). This variant is reported in 0.0093% of alleles in individuals of Latino descent in gnomAD. At this time, the clinical significance of this variant is uncertain due to the absence of conclusive functional and genetic evidence.

Labcorp Genetics (formerly Invitae), Labcorp
Classification: Likely benign for Long QT syndrome. Last evaluated: 2024-08-05. Review status: criteria provided, single submitter. Criteria: Invitae Variant Classification Sherloc (09022015). Collection method: clinical testing. Allele origin: germline.

Ambry Genetics
Classification: Uncertain significance for Cardiovascular phenotype. Last evaluated: 2023-04-06. Review status: criteria provided, single submitter. Criteria: Ambry Variant Classification Scheme 2023. Collection method: clinical testing. Allele origin: germline.
Comment: The p.K800Q variant (also known as c.2398A>C), located in coding exon 17 of the CACNA1C gene, results from an A to C substitution at nucleotide position 2398. The lysine at codon 800 is replaced by glutamine, an amino acid with similar properties. This amino acid position is highly conserved in available vertebrate species. In addition, the in silico prediction for this alteration is inconclusive. Based on the supporting evidence, the association of this alteration with CACNA1C-related neurodevelopmental disorder is unknown; however, the association of this alteration with CACNA1C-related long QT syndrome or Timothy syndrome is unlikely.